The following is an entry in ClinVar:

ClinVar aggregate classification (germline): Uncertain significance (1 of 4 stars; one submission).

Conditions:
Congenital myasthenic syndrome 8. Also called: Myasthenic syndrome, congenital, 8, with pre- and postsynaptic defects; MYASTHENIC SYNDROME, CONGENITAL, DUE TO AGRIN DEFICIENCY. Identifiers: Orphanet 590, MedGen C3808739, MONDO:0014052, OMIM 615120.

Allele frequency attached by ClinVar (database versions not stated): gnomAD exomes below 0.00001; gnomAD 0.00001.

Submission:

Labcorp Genetics (formerly Invitae), Labcorp
Classification: Uncertain significance for Congenital myasthenic syndrome 8. Last evaluated: 2022-06-20. Review status: criteria provided, single submitter. Criteria: Invitae Variant Classification Sherloc (09022015). Collection method: clinical testing. Allele origin: germline.
Comment: In summary, the available evidence is currently insufficient to determine the role of this variant in disease. Therefore, it has been classified as a Variant of Uncertain Significance. Algorithms developed to predict the effect of missense changes on protein structure and function are either unavailable or do not agree on the potential impact of this missense change (SIFT: "Deleterious"; PolyPhen-2: "Benign"; Align-GVGD: "Class C0"). This variant has not been reported in the literature in individuals affected with AGRN-related conditions. This variant is not present in population databases (gnomAD no frequency). This sequence change replaces proline, which is neutral and non-polar, with leucine, which is neutral and non-polar, at codon 208 of the AGRN protein (p.Pro208Leu).

NM_198576.4(AGRN):c.623C>T (p.Pro208Leu)

Gene: AGRN (agrin; plus strand). Cytogenetic location: 1p36.33.
Variant type: single nucleotide variant.
Coding change: c.623C>T on transcript NM_198576.4 (MANE Select); coding-DNA position 623, C replaced by T.
Protein change: p.Pro208Leu; replaces proline 208 with leucine.
Molecular consequence: missense variant.
Genome position (GRCh38, 1-based): chr1:1,040,776, C>T. VCF-style: chr1-1040776-C-T. GRCh37 (hg19) VCF-style: chr1-976156-C-T.
Other names: c.623C>T, p.Pro208Leu (NM_001305275.2); c.308C>T, p.Pro103Leu (NM_001364727.2); short protein forms P103L, P208L.
Identifiers: ClinVar variation 1445529 (VCV001445529.7), dbSNP rs1644908404, ClinGen allele CA337822192.